The following is an entry in ClinVar:

ClinVar aggregate classification (germline): Likely benign. Review status: criteria provided, multiple submitters, no conflicts (2 of 4 stars). 3 submissions from 3 submitters: Likely benign (3). Last evaluated 2024-01-22.

Conditions:
Developmental and epileptic encephalopathy, 36 (DEE36). Also called: Congenital disorder of glycosylation, type Is; ALG13-CDG; Epileptic encephalopathy, early infantile, 36. Identifiers: Orphanet 324422, MedGen C4317295, MONDO:0010472, OMIM 300884.

Allele frequency attached by ClinVar (database versions not stated): gnomAD 0.00001; gnomAD exomes 0.00001 and 0.00002; TOPMed 0.00003.
gnomAD v4.1: 28 of 1,207,997 alleles (0.0023%); highest among the groups gnomAD compares: Non-Finnish European, 0.0029%; no homozygotes.

Submissions (3):

Labcorp Genetics (formerly Invitae), Labcorp
Classification: Likely benign for Developmental and epileptic encephalopathy, 36. Last evaluated: 2024-01-22. Review status: criteria provided, single submitter. Criteria: Invitae Variant Classification Sherloc (09022015). Collection method: clinical testing. Allele origin: germline.

Fulgent Genetics
Classification: Likely benign for Developmental and epileptic encephalopathy, 36. Last evaluated: 2021-11-17. Review status: criteria provided, single submitter. Criteria: ACMG Guidelines, 2015. Collection method: clinical testing. Allele origin: unknown.

GeneDx
Classification: Likely benign. Last evaluated: 2016-05-09. Review status: criteria provided, single submitter. Criteria: GeneDx Variant Classification (06012015). Collection method: clinical testing. Allele origin: germline. Affected: yes.
Comment: This variant is considered likely benign or benign based on one or more of the following criteria: it is a conservative change, it occurs at a poorly conserved position in the protein, it is predicted to be benign by multiple in silico algorithms, and/or has population frequency not consistent with disease.

NM_001099922.3(ALG13):c.273A>G (p.Glu91=)

Gene: ALG13 (ALG13 UDP-N-acetylglucosaminyltransferase subunit; plus strand). Cytogenetic location: Xq23.
Variant type: single nucleotide variant.
Coding change: c.273A>G on transcript NM_001099922.3 (MANE Select); coding-DNA position 273, A replaced by G.
Protein change: p.Glu91=; no amino-acid change (glutamic acid 91 retained).
Molecular consequence: synonymous variant. On other transcripts: missense variant (1), 5 prime UTR variant (9), non-coding transcript variant (3).
Genome position (GRCh38, 1-based): chrX:111,684,993, A>G. VCF-style: chrX-111684993-A-G. GRCh37 (hg19) VCF-style: chrX-110928221-A-G.
Other names: c.214A>G, p.Lys72Glu (NM_001039210.5); c.273A>G, p.Glu91= (NM_001168385.3, NM_001324292.2, NM_018466.6); c.-40A>G (NM_001257230.2, NM_001257234.2, NM_001257235.3 and 6 more transcripts); c.39A>G, p.Glu13= (NM_001257231.2, NM_001257241.3); c.279A>G, p.Glu93= (NM_001324290.2); short protein forms K72E.
Identifiers: ClinVar variation 385875 (VCV000385875.9), dbSNP rs1057522348, ClinGen allele CA16608678.